The following is an entry in ClinVar:

ClinVar aggregate classification (germline): Uncertain significance. Review status: criteria provided, multiple submitters, no conflicts (2 of 4 stars). 4 submissions from 4 submitters: Uncertain significance (4). Last evaluated 2025-12-31.

Conditions:
Inborn genetic diseases. Identifiers: MedGen C0950123, MeSH D030342.

Allele frequency attached by ClinVar (database versions not stated): TOPMed 0.00002; ExAC 0.00003; gnomAD 0.00003; gnomAD exomes 0.00004; 1000 Genomes Project 30x 0.00016; 1000 Genomes Project 0.00020.
gnomAD v4.1: 65 of 1,614,126 alleles (0.004%); highest among the groups gnomAD compares: Admixed American, 0.005%; no homozygotes.

Submissions (4):

Women's Health and Genetics/Laboratory Corporation of America, LabCorp
Classification: Uncertain significance. Last evaluated: 2025-12-31. Review status: criteria provided, single submitter. Criteria: LabCorp Variant Classification Summary - May 2015. Collection method: clinical testing. Allele origin: germline.
Comment: Variant summary: TRRAP c.10717G>A (p.Ala3573Thr) results in a non-conservative amino acid change in the encoded protein sequence. Algorithms developed to predict the effect of missense changes on protein structure and function are either unavailable or do not agree on the potential impact of this missense change. The variant allele was found at a frequency of 2.8e-05 in 251472 control chromosomes. The available data on variant occurrences in the general population are insufficient to allow any conclusion about variant significance. To our knowledge, no occurrence of c.10717G>A in individuals affected with TRRAP-related conditions and no experimental evidence demonstrating its impact on protein function have been reported. ClinVar contains an entry for this variant (Variation ID: 2046998). Based on the evidence outlined above, the variant was classified as uncertain significance.

Labcorp Genetics (formerly Invitae), Labcorp
Classification: Uncertain significance. Last evaluated: 2025-11-05. Review status: criteria provided, single submitter. Criteria: Invitae Variant Classification Sherloc (09022015). Collection method: clinical testing. Allele origin: germline.
Comment: This sequence change replaces alanine, which is neutral and non-polar, with threonine, which is neutral and polar, at codon 3573 of the TRRAP protein (p.Ala3573Thr). This variant is present in population databases (rs543288920, gnomAD 0.006%). This variant has not been reported in the literature in individuals affected with TRRAP-related conditions. ClinVar contains an entry for this variant (Variation ID: 2046998). Invitae Evidence Modeling of protein sequence and biophysical properties (such as structural, functional, and spatial information, amino acid conservation, physicochemical variation, residue mobility, and thermodynamic stability) indicates that this missense variant is not expected to disrupt TRRAP protein function with a negative predictive value of 80%. In summary, the available evidence is currently insufficient to determine the role of this variant in disease. Therefore, it has been classified as a Variant of Uncertain Significance.

Ambry Genetics
Classification: Uncertain significance for Inborn genetic diseases. Last evaluated: 2021-10-22. Review status: criteria provided, single submitter. Criteria: Ambry Variant Classification Scheme 2023. Collection method: clinical testing. Allele origin: germline.

Breakthrough Genomics
Classification: Uncertain significance. Review status: criteria provided, single submitter. Criteria: ACMG Guidelines, 2015. Collection method: not provided. Allele origin: germline. Inheritance: Autosomal recessive inheritance. Affected: yes.

NM_001375524.1(TRRAP):c.10846G>A (p.Ala3616Thr)

Gene: TRRAP (transformation/transcription domain associated protein; plus strand). Cytogenetic location: 7q22.1.
Variant type: single nucleotide variant.
Coding change: c.10846G>A on transcript NM_001375524.1 (MANE Select); coding-DNA position 10846, G replaced by A.
Protein change: p.Ala3616Thr; replaces alanine 3616 with threonine.
Molecular consequence: missense variant.
Genome position (GRCh38, 1-based): chr7:99,008,469, G>A. VCF-style: chr7-99008469-G-A. GRCh37 (hg19) VCF-style: chr7-98606092-G-A.
Other names: c.10804G>A, p.Ala3602Thr (NM_001244580.2); c.10717G>A, p.Ala3573Thr (NM_003496.4); short protein forms A3573T, A3602T, A3616T.
Identifiers: ClinVar variation 2046998 (VCV002046998.7), dbSNP rs543288920, ClinGen allele CA4362014.